The following is an entry in ClinVar:

NM_001987.5(ETV6):c.785G>C (p.Ser262Thr)

Gene: ETV6 (ETS variant transcription factor 6; plus strand). Cytogenetic location: 12p13.2.
Variant type: single nucleotide variant.
Coding change: c.785G>C on transcript NM_001987.5 (MANE Select); coding-DNA position 785, G replaced by C.
Protein change: p.Ser262Thr; replaces serine 262 with threonine.
Molecular consequence: missense variant.
Genome position (GRCh38, 1-based): chr12:11,869,745, G>C. VCF-style: chr12-11869745-G-C. GRCh37 (hg19) VCF-style: chr12-12022679-G-C.
Other names: c.782G>C, p.Ser261Thr (NM_001413913.1); c.758G>C, p.Ser253Thr (NM_001413914.1); c.521G>C, p.Ser174Thr (NM_001413915.1); c.785G>C, p.Ser262Thr (NM_001413916.1, NM_001413917.1); short protein forms S174T, S261T, S262T, S253T.
Identifiers: ClinVar variation 4020118 (VCV004020118.1).

ClinVar aggregate classification (germline): Uncertain significance (1 of 4 stars; one submission).

Conditions:
Inborn genetic diseases. Identifiers: MedGen C0950123, MeSH D030342.

Submission:

Ambry Genetics
Classification: Uncertain significance for Inborn genetic diseases. Last evaluated: 2025-06-01. Review status: criteria provided, single submitter. Criteria: Ambry Variant Classification Scheme 2023. Collection method: clinical testing. Allele origin: germline.
Comment: The p.S262T variant (also known as c.785G>C), located in coding exon 5 of the ETV6 gene, results from a G to C substitution at nucleotide position 785. The serine at codon 262 is replaced by threonine, an amino acid with similar properties. This amino acid position is conserved. In addition, this alteration is predicted to be tolerated by in silico analysis. Based on the available evidence, the clinical significance of this variant remains unclear.